The following is an entry in ClinVar:

ClinVar aggregate classification (germline): Likely benign. Review status: criteria provided, multiple submitters, no conflicts (2 of 4 stars). 2 submissions from 2 submitters: Likely benign (2). Last evaluated 2025-02-26.

Conditions:
RASopathy. Also called: rasopathies; Noonan spectrum disorder. Identifiers: Orphanet 536391, MedGen C5555857, MONDO:0021060.

gnomAD v4.1: 1 of 1,613,014 alleles (0.000062%); no homozygotes.

Submissions (2):

Labcorp Genetics (formerly Invitae), Labcorp
Classification: Likely benign for RASopathy. Last evaluated: 2025-02-26. Review status: criteria provided, single submitter. Criteria: Invitae Variant Classification Sherloc (09022015). Collection method: clinical testing. Allele origin: germline.

GeneDx
Classification: Likely benign. Last evaluated: 2016-03-15. Review status: criteria provided, single submitter. Criteria: GeneDx Variant Classification (06012015). Collection method: clinical testing. Allele origin: germline. Affected: yes.
Comment: This variant is considered likely benign or benign based on one or more of the following criteria: it is a conservative change, it occurs at a poorly conserved position in the protein, it is predicted to be benign by multiple in silico algorithms, and/or has population frequency not consistent with disease.

NM_004333.6(BRAF):c.1433-7C>G

Gene: BRAF (B-Raf proto-oncogene, serine/threonine kinase; minus strand). Cytogenetic location: 7q34.
Variant type: single nucleotide variant.
Coding change: c.1433-7C>G on transcript NM_004333.6 (MANE Select); 7 bases into the intron before coding-DNA position 1433, C replaced by G.
Molecular consequence: intron variant.
Genome position (GRCh38, 1-based): chr7:140,778,082, G>C on the plus strand (C>G on the coding strand, the complement: BRAF is on the minus strand). VCF-style: chr7-140778082-G-C. GRCh37 (hg19) VCF-style: chr7-140477882-G-C.
Other names: c.1433-7C>G (NM_001378474.1, NM_001378468.1, NM_001354609.2); c.1331-7C>G (NM_001378470.1); c.1169-7C>G (NM_001378475.1); c.1322-7C>G (NM_001378471.1); c.1553-7C>G (NM_001374258.1, NM_001374244.1); c.1442-7C>G (NM_001378467.1); c.1277-7C>G (NM_001378472.1, NM_001378473.1); c.1367-7C>G (NM_001378469.1).
Identifiers: ClinVar variation 384802 (VCV000384802.2), dbSNP rs1057522055, ClinGen allele CA16605133.